The following is an entry in ClinVar:

NM_006891.4(CRYGD):c.63C>T (p.Ser21=)

Genes: CRYGD (crystallin gamma D; minus strand), LOC100507443 (uncharacterized LOC100507443; plus strand). Cytogenetic location: 2q33.3.
Variant type: single nucleotide variant.
Coding change: c.63C>T on transcript NM_006891.4 (MANE Select); coding-DNA position 63, C replaced by T.
Protein change: p.Ser21=; no amino-acid change (serine 21 retained).
Molecular consequence: synonymous variant.
Genome position (GRCh38, 1-based): chr2:208,124,301, G>A on the plus strand (C>T on the coding strand, the complement: CRYGD is on the minus strand). VCF-style: chr2-208124301-G-A. GRCh37 (hg19) VCF-style: chr2-208989025-G-A.
Identifiers: ClinVar variation 468229 (VCV000468229.40), dbSNP rs150961505, ClinGen allele CA2077741.

ClinVar aggregate classification (germline): Benign/Likely benign. Review status: criteria provided, multiple submitters, no conflicts (2 of 4 stars). 6 submissions from 6 submitters: Benign (2); Likely benign (4). Last evaluated 2026-02-19.

Conditions:
Aculeiform cataract (CTRCT4). Also called: Fasciculiform cataract; Frosted cataract; Needle-shaped cataract. Identifiers: MedGen C1861832, HP:0010926.
Cataract 4 multiple types. Also called: CATARACT 4, PUNCTATE; CATARACT 4, CRYSTALLINE; CATARACT 4, CENTRAL NUCLEAR; CATARACT 4, NONNUCLEAR POLYMORPHIC CONGENITAL; CATARACT 4, ACULEIFORM; CATARACT 4, MULTIPLE TYPES, WITH OR WITHOUT MICROCORNEA. Identifiers: Orphanet 1377, MedGen C3540850, MONDO:0007281, OMIM 115700.
CRYGD-related disorder. Also called: CRYGD-related condition.

Allele frequency attached by ClinVar (database versions not stated): gnomAD 0.00069 and 0.00066; ExAC 0.00084; ESP Exome Variant Server 0.00085; TOPMed 0.00046; gnomAD exomes 0.00057 and 0.00065.

Submissions (6):

PreventionGenetics, part of Exact Sciences
Classification: Likely benign for CRYGD-related condition. Last evaluated: 2026-02-19. Review status: criteria provided, single submitter. Criteria: ACMG Guidelines, 2015. Collection method: clinical testing. Allele origin: germline.
Comment: This variant is classified as likely benign based on ACMG/AMP sequence variant interpretation guidelines (Richards et al. 2015 PMID: 25741868, with internal and published modifications).

Labcorp Genetics (formerly Invitae), Labcorp
Classification: Benign for Aculeiform cataract. Last evaluated: 2025-10-03. Review status: criteria provided, single submitter. Criteria: Invitae Variant Classification Sherloc (09022015). Collection method: clinical testing. Allele origin: germline.

Laboratory of Genetics, Children's Clinical University Hospital Latvia
Classification: Likely benign. Last evaluated: 2025-02-16. Review status: criteria provided, single submitter. Criteria: ACMG Guidelines, 2015. Collection method: clinical testing. Allele origin: germline. Affected: yes.

Blueprint Genetics
Classification: Likely benign. Last evaluated: 2024-11-25. Review status: criteria provided, single submitter. Criteria: ACMG Guidelines, 2015. Collection method: clinical testing. Allele origin: germline.

CeGaT Center for Human Genetics Tuebingen
Classification: Likely benign. Last evaluated: 2024-07-01. Review status: criteria provided, single submitter. Criteria: CeGaT Center For Human Genetics Tuebingen Variant Classification Criteria Version 2. Collection method: clinical testing. Allele origin: germline. Affected: yes. Observed: 2 variant alleles.
Comment: CRYGD: BP4, BP7, BS1

Illumina Laboratory Services, Illumina
Classification: Benign for Cataract 4 multiple types. Last evaluated: 2018-01-12. Review status: criteria provided, single submitter. Criteria: ICSL Variant Classification Criteria 13 December 2019. Collection method: clinical testing. Allele origin: germline.
Comment: This variant was observed in the ICSL laboratory as part of a predisposition screen in an ostensibly healthy population. It had not been previously curated by ICSL or reported in the Human Gene Mutation Database (HGMD: prior to June 1st, 2018), and was therefore a candidate for classification through an automated scoring system. Utilizing variant allele frequency, disease prevalence and penetrance estimates, and inheritance mode, an automated score was calculated to assess if this variant is too frequent to cause the disease. Based on the score and internal cut-off values, a variant classified as benign is not then subjected to further curation. The score for this variant resulted in a classification of benign for this disease.